The following is an entry in ClinVar:

NM_000057.4(BLM):c.3154C>A (p.Pro1052Thr)

Gene: BLM (BLM RecQ like helicase; plus strand). Cytogenetic location: 15q26.1.
Variant type: single nucleotide variant.
Coding change: c.3154C>A on transcript NM_000057.4 (MANE Select); coding-DNA position 3154, C replaced by A.
Protein change: p.Pro1052Thr; replaces proline 1052 with threonine.
Molecular consequence: missense variant.
Genome position (GRCh38, 1-based): chr15:90,794,301, C>A. VCF-style: chr15-90794301-C-A. GRCh37 (hg19) VCF-style: chr15-91337531-C-A.
Other names: c.3154C>A, p.Pro1052Thr (NM_001287246.2, NM_001287247.2); c.2029C>A, p.Pro677Thr (NM_001287248.2); short protein forms P677T, P1052T.
Identifiers: ClinVar variation 657692 (VCV000657692.10), dbSNP rs1596260044, ClinGen allele CA393846954.
Genomic context (GRCh38, chr15:90,794,301, plus strand): 5'-AATATAACGGAATGCAGGAGAATACAGCTTTTGGCCTACTTTGGTGAAAATGGATTTAAT[C>A]CTGATTTTTGTAAGAAACACCCAGATGTTTCTTGTGATAATTGCTGTAAAACAAAGGTAA-3'
Protein context (NP_000048.1, residues 1042-1062): LAYFGENGFN[Pro1052Thr]DFCKKHPDVS

ClinVar aggregate classification (germline): Uncertain significance. Review status: criteria provided, multiple submitters, no conflicts (2 of 4 stars). 2 submissions from 2 submitters: Uncertain significance (2). Last evaluated 2024-04-04.

Conditions:
Bloom syndrome (BLM). Also called: Bloom-Torre-Machacek syndrome. Identifiers: Orphanet 125, MedGen C0005859, MONDO:0008876, OMIM 210900.
Hereditary cancer-predisposing syndrome. Also called: Hereditary neoplastic syndrome; Neoplastic Syndromes, Hereditary; Hereditary Cancer Syndrome; Tumor predisposition. Identifiers: Orphanet 140162, MedGen C0027672, MeSH D009386, MONDO:0015356.

Submissions (2):

Ambry Genetics
Classification: Uncertain significance for Hereditary cancer-predisposing syndrome. Last evaluated: 2024-04-04. Review status: criteria provided, single submitter. Criteria: Ambry Variant Classification Scheme 2023. Collection method: clinical testing. Allele origin: germline.
Comment: The p.P1052T variant (also known as c.3154C>A), located in coding exon 15 of the BLM gene, results from a C to A substitution at nucleotide position 3154. The proline at codon 1052 is replaced by threonine, an amino acid with highly similar properties. This amino acid position is conserved. In addition, this alteration is predicted to be tolerated by in silico analysis. Since supporting evidence is limited at this time, the clinical significance of this alteration remains unclear.

Labcorp Genetics (formerly Invitae), Labcorp
Classification: Uncertain significance for Bloom syndrome. Last evaluated: 2022-09-01. Review status: criteria provided, single submitter. Criteria: Invitae Variant Classification Sherloc (09022015). Collection method: clinical testing. Allele origin: germline.
Comment: In summary, the available evidence is currently insufficient to determine the role of this variant in disease. Therefore, it has been classified as a Variant of Uncertain Significance. Algorithms developed to predict the effect of missense changes on protein structure and function (SIFT, PolyPhen-2, Align-GVGD) all suggest that this variant is likely to be tolerated. ClinVar contains an entry for this variant (Variation ID: 657692). This variant has not been reported in the literature in individuals affected with BLM-related conditions. This variant is not present in population databases (gnomAD no frequency). This sequence change replaces proline, which is neutral and non-polar, with threonine, which is neutral and polar, at codon 1052 of the BLM protein (p.Pro1052Thr).